The following is an entry in ClinVar:

ClinVar aggregate classification (germline): Uncertain significance. Review status: criteria provided, multiple submitters, no conflicts (2 of 4 stars). 4 submissions from 4 submitters: Uncertain significance (4). Last evaluated 2025-10-30.

Conditions:
Hypertrophic cardiomyopathy. Also called: HYPERTROPHIC MYOCARDIOPATHY. Identifiers: Orphanet 217569, MedGen C0007194, MeSH D002312, MONDO:0005045, HP:0001639.
Cardiomyopathy (CMYO). Also called: Cardiomyopathies. Identifiers: Orphanet 167848, MedGen C0878544, MONDO:0004994, HP:0001638. Inheritance: Various modes of inheritance.
Cardiovascular phenotype. Identifiers: MedGen CN230736.

Allele frequency attached by ClinVar (database versions not stated): gnomAD exomes 0.00002; TOPMed 0.00002.
gnomAD v4.1: 13 of 1,612,588 alleles (0.00081%); highest among the groups gnomAD compares: Admixed American, 0.0033%; no homozygotes.

Submissions (4):

Ambry Genetics
Classification: Uncertain significance for Cardiovascular phenotype. Last evaluated: 2025-10-30. Review status: criteria provided, single submitter. Criteria: Ambry Variant Classification Scheme 2023. Collection method: clinical testing. Allele origin: germline.
Comment: The p.L1333V variant (also known as c.3997C>G), located in coding exon 28 of the MYH7 gene, results from a C to G substitution at nucleotide position 3997. The leucine at codon 1333 is replaced by valine, an amino acid with highly similar properties. This variant was reported in individual(s) with features consistent with hypertrophic cardiomyopathy (Homburger JR et al. Proc Natl Acad Sci U S A, 2016 Jun;113:6701-6; Lamounier Junior A et al. Rev Esp Cardiol (Engl Ed), 2022 Mar;75:242-250).This amino acid position is not well conserved in available vertebrate species. In addition, this alteration is predicted to be tolerated by in silico analysis. Based on the available evidence, the clinical significance of this variant remains unclear.

Labcorp Genetics (formerly Invitae), Labcorp
Classification: Uncertain significance for Hypertrophic cardiomyopathy. Last evaluated: 2025-10-02. Review status: criteria provided, single submitter. Criteria: Invitae Variant Classification Sherloc (09022015). Collection method: clinical testing. Allele origin: germline.
Comment: This sequence change replaces leucine, which is neutral and non-polar, with valine, which is neutral and non-polar, at codon 1333 of the MYH7 protein (p.Leu1333Val). This variant is present in population databases (no rsID available, gnomAD 0.006%). This missense change has been observed in individual(s) with hypertrophic cardiomyopathy (PMID: 33642254). ClinVar contains an entry for this variant (Variation ID: 525002). Invitae Evidence Modeling of protein sequence and biophysical properties (such as structural, functional, and spatial information, amino acid conservation, physicochemical variation, residue mobility, and thermodynamic stability) indicates that this missense variant is not expected to disrupt MYH7 protein function with a negative predictive value of 95%. In summary, the available evidence is currently insufficient to determine the role of this variant in disease. Therefore, it has been classified as a Variant of Uncertain Significance.

Color Diagnostics, LLC DBA Color Health
Classification: Uncertain significance for Cardiomyopathy. Last evaluated: 2025-07-01. Review status: criteria provided, single submitter. Criteria: ACMG Guidelines, 2015. Collection method: clinical testing. Allele origin: germline.
Comment: This missense variant replaces leucine with valine at codon 1333 of the MYH7 protein. Computational prediction suggests that this variant may not impact protein structure and function. To our knowledge, functional studies have not been reported for this variant. This variant has been reported in an individual affected with hypertrophic cardiomyopathythis individual also carried a likely pathogenic variant in the TPM1 gene (PMID: 33642254). This variant has been identified in 4/249370 chromosomes in the general population by the Genome Aggregation Database (gnomAD). The available evidence is insufficient to determine the role of this variant in disease conclusively. Therefore, this variant is classified as a Variant of Uncertain Significance.

All of Us Research Program, National Institutes of Health
Classification: Uncertain significance for Cardiomyopathy. Last evaluated: 2023-08-15. Review status: criteria provided, single submitter. Criteria: ACMG Guidelines, 2015. Collection method: clinical testing. Allele origin: germline. Inheritance: Autosomal dominant inheritance. Observed: 6 variant alleles, 6 heterozygotes.
Comment: This missense variant replaces leucine with valine at codon 1333 of the MYH7 protein. Computational prediction suggests that this variant may not impact protein structure and function (internally defined REVEL score threshold <= 0.5, PMID: 27666373). To our knowledge, functional studies have not been reported for this variant. This variant has been reported in an individual affected with hypertrophic cardiomyopathy; this individual also carried a likely pathogenic variant in the TPM1 gene (PMID: 33642254). This variant has been identified in 4/249370 chromosomes in the general population by the Genome Aggregation Database (gnomAD). The available evidence is insufficient to determine the role of this variant in disease conclusively. Therefore, this variant is classified as a Variant of Uncertain Significance.

This study involves interpretation of variants in research participants for the purpose of population health screening. Participant phenotype was not available at the time of variant classification. Additional details can be found in publication PMID: 35346344, PMCID: PMC8962531

Literature cited by the submitters: PubMed 27247418 (cited by Ambry Genetics); PubMed 33642254 (cited by 4 submitters).

NM_000257.4(MYH7):c.3997C>G (p.Leu1333Val)

Gene: MYH7 (myosin heavy chain 7; minus strand). Cytogenetic location: 14q11.2.
Variant type: single nucleotide variant.
Coding change: c.3997C>G on transcript NM_000257.4 (MANE Select); coding-DNA position 3997, C replaced by G.
Protein change: p.Leu1333Val; replaces leucine 1333 with valine.
Molecular consequence: missense variant.
Genome position (GRCh38, 1-based): chr14:23,418,382, G>C on the plus strand (C>G on the coding strand, the complement: MYH7 is on the minus strand). VCF-style: chr14-23418382-G-C. GRCh37 (hg19) VCF-style: chr14-23887591-G-C.
Other names: short protein forms L1333V.
Identifiers: ClinVar variation 525002 (VCV000525002.15), dbSNP rs940589674, ClinGen allele CA257813922.